The following is an entry in ClinVar:

NM_025179.4(PLXNA2):c.4171A>C (p.Met1391Leu)

Gene: PLXNA2 (plexin A2; minus strand). Cytogenetic location: 1q32.2.
Variant type: single nucleotide variant.
Coding change: c.4171A>C on transcript NM_025179.4 (MANE Select); coding-DNA position 4171, A replaced by C.
Protein change: p.Met1391Leu; replaces methionine 1391 with leucine.
Molecular consequence: missense variant.
Genome position (GRCh38, 1-based): chr1:208,042,213, T>G on the plus strand (A>C on the coding strand, the complement: PLXNA2 is on the minus strand). VCF-style: chr1-208042213-T-G. GRCh37 (hg19) VCF-style: chr1-208215558-T-G.
Other names: c.4171A>C (NM_025179.3); short protein forms M1391L.
Identifiers: ClinVar variation 1363615 (VCV001363615.11), dbSNP rs144005934, ClinGen allele CA1372954.

ClinVar aggregate classification (germline): Uncertain significance. Review status: criteria provided, multiple submitters, no conflicts (2 of 4 stars). 2 submissions from 2 submitters: Uncertain significance (2). Last evaluated 2026-09-21.

Conditions:
PLXNA2-related disorder. Also called: PLXNA2-related condition.

Allele frequency attached by ClinVar (database versions not stated): ExAC 0.00009; ESP Exome Variant Server 0.00015; gnomAD 0.00048 and 0.00051; TOPMed 0.00048; 1000 Genomes Project 0.00080; 1000 Genomes Project 30x 0.00094.

Submissions (2):

PreventionGenetics, part of Exact Sciences
Classification: Uncertain significance for PLXNA2-related condition. Last evaluated: 2026-09-21. Review status: criteria provided, single submitter. Criteria: ACMG Guidelines, 2015. Collection method: clinical testing. Allele origin: germline.
Comment: The PLXNA2 c.4171A>C variant is predicted to result in the amino acid substitution p.Met1391Leu. To our knowledge, this variant has not been reported in the literature. This variant is reported in 0.13% of alleles in individuals of African descent in gnomAD. Although we suspect that this variant may be benign, at this time, the clinical significance of this variant is uncertain due to the absence of conclusive functional and genetic evidence.

Labcorp Genetics (formerly Invitae), Labcorp
Classification: Uncertain significance. Last evaluated: 2024-03-30. Review status: criteria provided, single submitter. Criteria: Invitae Variant Classification Sherloc (09022015). Collection method: clinical testing. Allele origin: germline.
Comment: This sequence change replaces methionine, which is neutral and non-polar, with leucine, which is neutral and non-polar, at codon 1391 of the PLXNA2 protein (p.Met1391Leu). This variant is present in population databases (rs144005934, gnomAD 0.1%), and has an allele count higher than expected for a pathogenic variant. This variant has not been reported in the literature in individuals affected with PLXNA2-related conditions. ClinVar contains an entry for this variant (Variation ID: 1363615). Advanced modeling of protein sequence and biophysical properties (such as structural, functional, and spatial information, amino acid conservation, physicochemical variation, residue mobility, and thermodynamic stability) performed at Invitae indicates that this missense variant is not expected to disrupt PLXNA2 protein function with a negative predictive value of 80%. In summary, the available evidence is currently insufficient to determine the role of this variant in disease. Therefore, it has been classified as a Variant of Uncertain Significance.